The following is an entry in ClinVar:

NM_002225.5(IVD):c.201_203dup (p.Glu67_Ile68insMet)

Gene: IVD (isovaleryl-CoA dehydrogenase; plus strand). Cytogenetic location: 15q15.1.
Variant type: Duplication.
Coding change: c.201_203dup on transcript NM_002225.5 (MANE Select); coding-DNA positions 201 to 203, 3 bases duplicated (GAT; older notation c.201_203dupGAT).
Protein change: p.Glu67_Ile68insMet.
Molecular consequence: inframe insertion. On other transcripts: non-coding transcript variant (1), intron variant (1).
Genome position (GRCh38, 1-based): chr15:40,407,692-40,407,694, GAT duplicated. VCF-style (leftmost placement, unchanged base first): chr15-40407691-A-AGAT. GRCh37 (hg19) VCF-style: chr15-40699892-A-AGAT.
Other names: c.153_155dup, p.Glu51_Ile52insMet (NM_001354597.3); c.201_203dup, p.Glu67_Ile68insMet (NM_001354598.3, NM_001354599.3, NM_001354600.3 and 1 more transcripts); c.145-247_145-245dup (NM_001159508.3).
Identifiers: ClinVar variation 5004089 (VCV005004089.1).

ClinVar aggregate classification (germline): Uncertain significance (1 of 4 stars; one submission).

Conditions:
Isovaleryl-CoA dehydrogenase deficiency (IVA). Also called: Classic Isovaleric Acidemia; Isovaleric acidemia; ISOVALERIC ACID CoA DEHYDROGENASE DEFICIENCY; IVD DEFICIENCY. Identifiers: Orphanet 33, MedGen C0268575, MONDO:0009475, OMIM 243500.

Submission:

Myriad Genetics, Inc.
Classification: Uncertain significance for Isovaleryl-CoA dehydrogenase deficiency. Last evaluated: 2025-07-28. Review status: criteria provided, single submitter. Criteria: Myriad Autosomal Dominant, Autosomal Recessive and X-Linked Classification Criteria (2023). Collection method: clinical testing. Allele origin: unknown.
Comment: NM_002225.3(IVD):c.210_212dupGAT(E70_I71insM) is an in-frame insertion classified as a variant of uncertain significance in the context of isovaleric acidemia. E70_I71insM has not been observed in cases with relevant disease. Relevant functional assessments of this variant are not available in the literature. E70_I71insM has not been observed in referenced population frequency databases. In summary, there is insufficient evidence to classify NM_002225.3(IVD):c.210_212dupGAT(E70_I71insM) as pathogenic or benign. Please note: this variant was assessed in the context of healthy population screening.